The following is an entry in ClinVar:

ClinVar aggregate classification (germline): Uncertain significance. Review status: criteria provided, multiple submitters, no conflicts (2 of 4 stars). 2 submissions from 2 submitters: Uncertain significance (2). Last evaluated 2025-06-04.

Conditions:
Inborn genetic diseases. Identifiers: MedGen C0950123, MeSH D030342.
Familial cold autoinflammatory syndrome 3 (FCAS3). Also called: FAMILIAL ATYPICAL COLD URTICARIA; ANTIBODY DEFICIENCY AND IMMUNE DYSREGULATION, PLCG2-ASSOCIATED. Identifiers: Orphanet 300359, MedGen C3280914, MONDO:0013766, OMIM 614468.

Allele frequency attached by ClinVar (database versions not stated): gnomAD 0.00001; gnomAD exomes 0.00002 and 0.00004; TOPMed 0.00003; ExAC 0.00004; ESP Exome Variant Server 0.00008.
gnomAD v4.1: 35 of 1,613,954 alleles (0.0022%); highest among the groups gnomAD compares: African/African-American, 0.0027%; no homozygotes.

Submissions (2):

Labcorp Genetics (formerly Invitae), Labcorp
Classification: Uncertain significance for Familial cold autoinflammatory syndrome 3. Last evaluated: 2025-06-04. Review status: criteria provided, single submitter. Criteria: Invitae Variant Classification Sherloc (09022015). Collection method: clinical testing. Allele origin: germline.
Comment: This sequence change replaces proline, which is neutral and non-polar, with leucine, which is neutral and non-polar, at codon 1050 of the PLCG2 protein (p.Pro1050Leu). This variant is present in population databases (rs372812991, gnomAD 0.008%). This missense change has been observed in individual(s) with PLCG2-related conditions (PMID: 37769878). ClinVar contains an entry for this variant (Variation ID: 860756). An algorithm developed to predict the effect of missense changes on protein structure and function (PolyPhen-2) suggests that this variant is likely to be tolerated. Experimental studies have shown that this missense change does not substantially affect PLCG2 function (PMID: 37769878). In summary, the available evidence is currently insufficient to determine the role of this variant in disease. Therefore, it has been classified as a Variant of Uncertain Significance.

Ambry Genetics
Classification: Uncertain significance for Inborn genetic diseases. Last evaluated: 2023-02-13. Review status: criteria provided, single submitter. Criteria: Ambry Variant Classification Scheme 2023. Collection method: clinical testing. Allele origin: germline.

Literature cited by the submitters: PubMed 37769878 (cited by Labcorp Genetics (formerly Invitae), Labcorp).

NM_002661.5(PLCG2):c.3149C>T (p.Pro1050Leu)

Gene: PLCG2 (phospholipase C gamma 2; plus strand). Cytogenetic location: 16q23.3.
Variant type: single nucleotide variant.
Coding change: c.3149C>T on transcript NM_002661.5 (MANE Select); coding-DNA position 3149, C replaced by T.
Protein change: p.Pro1050Leu; replaces proline 1050 with leucine.
Molecular consequence: missense variant.
Genome position (GRCh38, 1-based): chr16:81,937,854, C>T. VCF-style: chr16-81937854-C-T. GRCh37 (hg19) VCF-style: chr16-81971459-C-T.
Other names: c.3149C>T (NM_002661.3); short protein forms P1050L.
Identifiers: ClinVar variation 860756 (VCV000860756.9), dbSNP rs372812991, ClinGen allele CA8194577.
Genomic context (GRCh38, chr16:81,937,854, plus strand): 5'-TCAATGGGCGCACGGGCTACGTTCTGCAGCCTGAGAGCATGAGGACAGAGAAATATGACC[C>T]GATGCCACCCGAGTCCCAGAGGAAGATCCTGATGACGCTGACAGTCAAGGTAAAGCCAGC-3'
Protein context (NP_002652.2, residues 1040-1060): PESMRTEKYD[Pro1050Leu]MPPESQRKIL